The following is an entry in ClinVar:

ClinVar aggregate classification (germline): Uncertain significance (1 of 4 stars; one submission).

Conditions:
Hereditary diffuse gastric adenocarcinoma (HDGC). Also called: DIFFUSE GASTRIC AND LOBULAR BREAST CANCER SYNDROME. Identifiers: Orphanet 26106, MedGen C1708349, MONDO:0007648, OMIM 137215.

Submission:

Labcorp Genetics (formerly Invitae), Labcorp
Classification: Uncertain significance for Hereditary diffuse gastric adenocarcinoma. Last evaluated: 2025-06-14. Review status: criteria provided, single submitter. Criteria: Invitae Variant Classification Sherloc (09022015). Collection method: clinical testing. Allele origin: germline.
Comment: This sequence change replaces histidine, which is basic and polar, with proline, which is neutral and non-polar, at codon 45 of the CDH1 protein (p.His45Pro). This variant is not present in population databases (gnomAD no frequency). This variant has not been reported in the literature in individuals affected with CDH1-related conditions. ClinVar contains an entry for this variant (Variation ID: 1345665). An algorithm developed to predict the effect of missense changes on protein structure and function (PolyPhen-2) suggests that this variant is likely to be tolerated. In summary, the available evidence is currently insufficient to determine the role of this variant in disease. Therefore, it has been classified as a Variant of Uncertain Significance.

NM_004360.5(CDH1):c.134A>C (p.His45Pro)

Gene: CDH1 (cadherin 1; plus strand). Cytogenetic location: 16q22.1.
Variant type: single nucleotide variant.
Coding change: c.134A>C on transcript NM_004360.5 (MANE Select); coding-DNA position 134, A replaced by C.
Protein change: p.His45Pro; replaces histidine 45 with proline.
Molecular consequence: missense variant. On other transcripts: 5 prime UTR variant (2).
Genome position (GRCh38, 1-based): chr16:68,738,382, A>C. VCF-style: chr16-68738382-A-C. GRCh37 (hg19) VCF-style: chr16-68772285-A-C.
Other names: c.134A>C, p.His45Pro (NM_001317184.2); c.-1482A>C (NM_001317185.2); c.-1686A>C (NM_001317186.2); short protein forms H45P.
Identifiers: ClinVar variation 1345665 (VCV001345665.8), dbSNP rs1962461369, ClinGen allele CA396452191.